The following is an entry in ClinVar:

NM_020436.5(SALL4):c.1697A>C (p.Asn566Thr)

Gene: SALL4 (spalt like transcription factor 4; minus strand). Cytogenetic location: 20q13.2.
Variant type: single nucleotide variant.
Coding change: c.1697A>C on transcript NM_020436.5 (MANE Select); coding-DNA position 1697, A replaced by C.
Protein change: p.Asn566Thr; replaces asparagine 566 with threonine.
Molecular consequence: missense variant. On other transcripts: intron variant (1).
Genome position (GRCh38, 1-based): chr20:51,790,786, T>G on the plus strand (A>C on the coding strand, the complement: SALL4 is on the minus strand). VCF-style: chr20-51790786-T-G. GRCh37 (hg19) VCF-style: chr20-50407325-T-G.
Other names: c.1150+547A>C (NM_001318031.2); short protein forms N566T.
Identifiers: ClinVar variation 3393864 (VCV003393864.1).

ClinVar aggregate classification (germline): Uncertain significance (1 of 4 stars; one submission).

Submission:

GeneDx
Classification: Uncertain significance. Last evaluated: 2024-07-03. Review status: criteria provided, single submitter. Criteria: GeneDx Variant Classification Process June 2021. Collection method: clinical testing. Allele origin: germline. Affected: yes.
Comment: Not observed at significant frequency in large population cohorts (gnomAD); In silico analysis supports that this missense variant has a deleterious effect on protein structure/function; Has not been previously published as pathogenic or benign to our knowledge